The following is an entry in ClinVar:

NM_000023.4(SGCA):c.1041G>A (p.Met347Ile)

Gene: SGCA (sarcoglycan alpha; plus strand). Cytogenetic location: 17q21.33.
Variant type: single nucleotide variant.
Coding change: c.1041G>A on transcript NM_000023.4 (MANE Select); coding-DNA position 1041, G replaced by A.
Protein change: p.Met347Ile; replaces methionine 347 with isoleucine.
Molecular consequence: missense variant. On other transcripts: non-coding transcript variant (1).
Genome position (GRCh38, 1-based): chr17:50,175,314, G>A. VCF-style: chr17-50175314-G-A. GRCh37 (hg19) VCF-style: chr17-48252675-G-A.
Other names: c.669G>A, p.Met223Ile (NM_001135697.3); short protein forms M223I, M347I.
Identifiers: ClinVar variation 2003016 (VCV002003016.1), dbSNP rs1472536404, ClinGen allele CA400184008.

ClinVar aggregate classification (germline): Uncertain significance (1 of 4 stars; one submission).

Conditions:
Autosomal recessive limb-girdle muscular dystrophy type 2D (LGMDR3). Also called: MUSCULAR DYSTROPHY, LIMB-GIRDLE, AUTOSOMAL RECESSIVE 3; DUCHENNE-LIKE AUTOSOMAL RECESSIVE MUSCULAR DYSTROPHY, TYPE 2; ADHALINOPATHY, PRIMARY. Identifiers: Orphanet 62, MedGen C2936332, MONDO:0011968, OMIM 608099. Disease mechanism: Affects gamma-sarcoglycan and also disrupts the integrity of the entire sarcoglycan complex..

Allele frequency attached by ClinVar (database versions not stated): gnomAD exomes below 0.00001.
gnomAD v4.1: 2 of 1,608,972 alleles (0.00012%); highest among the groups gnomAD compares: Admixed American, 0.0017%; no homozygotes.

Submission:

Labcorp Genetics (formerly Invitae), Labcorp
Classification: Uncertain significance for Autosomal recessive limb-girdle muscular dystrophy type 2D. Last evaluated: 2022-06-07. Review status: criteria provided, single submitter. Criteria: Invitae Variant Classification Sherloc (09022015). Collection method: clinical testing. Allele origin: germline.
Comment: This sequence change replaces methionine, which is neutral and non-polar, with isoleucine, which is neutral and non-polar, at codon 347 of the SGCA protein (p.Met347Ile). The frequency data for this variant in the population databases is considered unreliable, as metrics indicate poor data quality at this position in the gnomAD database. This variant has not been reported in the literature in individuals affected with SGCA-related conditions. Advanced modeling of protein sequence and biophysical properties (such as structural, functional, and spatial information, amino acid conservation, physicochemical variation, residue mobility, and thermodynamic stability) performed at Invitae indicates that this missense variant is expected to disrupt SGCA protein function. In summary, the available evidence is currently insufficient to determine the role of this variant in disease. Therefore, it has been classified as a Variant of Uncertain Significance.